The following is an entry in ClinVar:

ClinVar aggregate classification (germline): Pathogenic. Review status: criteria provided, multiple submitters, no conflicts (2 of 4 stars). 2 submissions from 2 submitters: Pathogenic (2). Last evaluated 2026-03-01.

Submissions (2):

CeGaT Center for Human Genetics Tuebingen
Classification: Pathogenic. Last evaluated: 2026-03-01. Review status: criteria provided, single submitter. Criteria: CeGaT Center For Human Genetics Tuebingen Variant Classification Criteria Version 2. Collection method: clinical testing. Allele origin: germline. Affected: yes. Observed: 1 variant allele.
Comment: MTM1: PVS1, PM2, PS4:Moderate

GeneDx
Classification: Pathogenic. Last evaluated: 2016-03-11. Review status: criteria provided, single submitter. Criteria: GeneDx Variant Classification (06012015). Collection method: clinical testing. Allele origin: germline. Affected: yes.
Comment: The c.593dupA pathogenic variant in the MTM1 gene has been reported previously in association with myotubular myopathy (Herman et al., 2002; Biancalana et al., 2003; Pierson et al., 2007). The c.593dupA pathogenic variant causes a frameshift starting with codon Tyrosine 198 and changes this amino acid to a premature Stop codon, denoted p.Tyr198Ter. This pathogenic variant is predicted to cause loss of normal protein function either through protein truncation or nonsense-mediated mRNA decay. Furthermore, c.593dupA was not observed in approximately 6,500 individuals of European and African American ancestry in the NHLBI Exome Sequencing Project, indicating it is not a common benign variant in these populations.

NM_000252.3(MTM1):c.593dup (p.Tyr198Ter)

Gene: MTM1 (myotubularin 1; plus strand). Cytogenetic location: Xq28.
Variant type: Duplication.
Coding change: c.593dup on transcript NM_000252.3 (MANE Select); coding-DNA position 593, one base duplicated (A; older notation c.593dupA).
Protein change: p.Tyr198Ter; replaces tyrosine 198 with a stop codon.
Molecular consequence: nonsense.
Genome position (GRCh38, 1-based): chrX:150,641,333, A duplicated. VCF-style (leftmost placement, unchanged base first): chrX-150641332-T-TA. GRCh37 (hg19) VCF-style: chrX-149809805-T-TA.
Other names: c.593dup, p.Tyr198Ter (NM_001376906.1, NM_001376908.1); c.482dup, p.Tyr161Ter (NM_001376907.1); c.593dupA (NM_000252.2); short protein forms Y198*, Y161*.
Identifiers: ClinVar variation 280049 (VCV000280049.6), dbSNP rs886041343, ClinGen allele CA10603604.
Genomic context (GRCh38, chrX:150,641,332, plus strand): 5'-TTGCCCAATCACCATTGGAGAATAACTTTTATTAATAAGTGCTATGAGCTCTGTGACACT[T>TA]ACCCTGCTCTTTTGGTGGTTCCGTATCGTGCCTCAGATGATGACCTCCGGAGAGTTGCAA-3'